The following is an entry in ClinVar:

NM_012158.4(FBXL3):c.1096C>T (p.Leu366=)

Gene: FBXL3 (F-box and leucine rich repeat protein 3; minus strand). Cytogenetic location: 13q22.3.
Variant type: single nucleotide variant.
Coding change: c.1096C>T on transcript NM_012158.4 (MANE Select); coding-DNA position 1096, C replaced by T.
Protein change: p.Leu366=; no amino-acid change (leucine 366 retained).
Molecular consequence: synonymous variant.
Genome position (GRCh38, 1-based): chr13:77,007,336, G>A on the plus strand (C>T on the coding strand, the complement: FBXL3 is on the minus strand). VCF-style: chr13-77007336-G-A. GRCh37 (hg19) VCF-style: chr13-77581471-G-A.
Identifiers: ClinVar variation 3038515 (VCV003038515.2), dbSNP rs76487761, ClinGen allele CA7007329.

ClinVar aggregate classification (germline): Benign (0 of 4 stars; one submission).

Conditions:
FBXL3-related disorder. Also called: FBXL3-related condition.

Allele frequency attached by ClinVar (database versions not stated): gnomAD exomes 0.00142; ExAC 0.00437; gnomAD 0.01298; TOPMed 0.01394; ESP Exome Variant Server 0.01399; 1000 Genomes Project 0.01238; 1000 Genomes Project 30x 0.01280.
gnomAD v4.1: 4,188 of 1,614,072 alleles (0.26%); highest among the groups gnomAD compares: African/African-American, 4.2%; 83 homozygotes.

Submission:

PreventionGenetics, part of Exact Sciences
Classification: Benign for FBXL3-related condition. Last evaluated: 2020-01-14. Review status: no assertion criteria provided. Collection method: clinical testing. Allele origin: germline.
Comment: This variant is classified as benign based on ACMG/AMP sequence variant interpretation guidelines (Richards et al. 2015 PMID: 25741868, with internal and published modifications).